The following is an entry in ClinVar:

ClinVar aggregate classification (germline): Benign/Likely benign. Review status: criteria provided, multiple submitters, no conflicts (2 of 4 stars). 7 submissions from 7 submitters: Benign (3); Likely benign (4). Last evaluated 2026-01-01.

Conditions:
TSC2-related disorder. Also called: TSC2-Related Disorders; TSC2-related condition.
Hereditary cancer-predisposing syndrome. Also called: Tumor predisposition; Hereditary neoplastic syndrome; Neoplastic Syndromes, Hereditary; Hereditary Cancer Syndrome. Identifiers: Orphanet 140162, MedGen C0027672, MeSH D009386, MONDO:0015356.
Tuberous sclerosis syndrome (TSC). Also called: Tuberous Sclerosis Complex; Tuberous sclerosis. Identifiers: Orphanet 805, MedGen C0041341, MONDO:0001734.
Tuberous sclerosis 2 (TSC2). Identifiers: Orphanet 805, MedGen C1860707, MONDO:0013199, OMIM 613254.

Allele frequency attached by ClinVar (database versions not stated): gnomAD 0.00001; TOPMed 0.00003.
gnomAD v4.1: 8 of 1,613,434 alleles (0.0005%); highest among the groups gnomAD compares: Admixed American, 0.005%; no homozygotes.

Submissions (7):

Labcorp Genetics (formerly Invitae), Labcorp
Classification: Benign for Tuberous sclerosis 2. Last evaluated: 2026-01-01. Review status: criteria provided, single submitter. Criteria: Invitae Variant Classification Sherloc (09022015). Collection method: clinical testing. Allele origin: germline.

Myriad Genetics, Inc.
Classification: Benign for Tuberous sclerosis 2. Last evaluated: 2025-05-19. Review status: criteria provided, single submitter. Criteria: Myriad Autosomal Dominant, Autosomal Recessive and X-Linked Classification Criteria (2023). Collection method: clinical testing. Allele origin: unknown.
Comment: This variant is considered benign. This variant is a silent/synonymous amino acid change and it is not expected to impact splicing.

PreventionGenetics, part of Exact Sciences
Classification: Likely benign for TSC2-related condition. Last evaluated: 2025-02-13. Review status: criteria provided, single submitter. Criteria: ACMG Guidelines, 2015. Collection method: clinical testing. Allele origin: germline.
Comment: This variant is classified as likely benign based on ACMG/AMP sequence variant interpretation guidelines (Richards et al. 2015 PMID: 25741868, with internal and published modifications).

All of Us Research Program, National Institutes of Health
Classification: Likely benign for Tuberous sclerosis syndrome. Last evaluated: 2024-04-16. Review status: criteria provided, single submitter. Criteria: ACMG Guidelines, 2015. Collection method: clinical testing. Allele origin: germline. Inheritance: Autosomal dominant inheritance. Observed: 4 variant alleles, 4 heterozygotes.
Comment: This study involves interpretation of variants in research participants for the purpose of population health screening. Participant phenotype was not available at the time of variant classification. Additional details can be found in publication PMID: 35346344, PMCID: PMC8962531

Genome-Nilou Lab
Classification: Benign for Tuberous sclerosis 2. Last evaluated: 2021-11-07. Review status: criteria provided, single submitter. Criteria: ACMG Guidelines, 2015. Collection method: clinical testing. Allele origin: germline. Affected: no.

GeneDx
Classification: Likely benign. Last evaluated: 2021-01-18. Review status: criteria provided, single submitter. Criteria: GeneDx Variant Classification Process June 2021. Collection method: clinical testing. Allele origin: germline. Affected: yes.
Comment: In-silico analysis, which includes splice predictors and evolutionary conservation, is inconclusive as to whether the variant alters gene splicing. In the absence of RNA/functional studies, the actual effect of this sequence change is unknown.; Has not been previously published as pathogenic or benign to our knowledge

Ambry Genetics
Classification: Likely benign for Hereditary cancer-predisposing syndrome. Last evaluated: 2019-02-23. Review status: criteria provided, single submitter. Criteria: Ambry Variant Classification Scheme 2023. Collection method: clinical testing. Allele origin: germline.

NM_000548.5(TSC2):c.2256C>T (p.Gly752=)

Gene: TSC2 (TSC complex subunit 2; plus strand). Cytogenetic location: 16p13.3.
Variant type: single nucleotide variant.
Coding change: c.2256C>T on transcript NM_000548.5 (MANE Select); coding-DNA position 2256, C replaced by T.
Protein change: p.Gly752=; no amino-acid change (glycine 752 retained).
Molecular consequence: synonymous variant.
Genome position (GRCh38, 1-based): chr16:2,072,884, C>T. VCF-style: chr16-2072884-C-T. GRCh37 (hg19) VCF-style: chr16-2122885-C-T.
Other names: c.2256C>T (NM_000548.4); c.2256C>T, p.Gly752= (NM_001077183.3, NM_001114382.3, NM_001363528.2 and 3 more transcripts); c.2145C>T, p.Gly715= (NM_001318827.2); c.2109C>T, p.Gly703= (NM_001318829.2); c.1656C>T, p.Gly552= (NM_001318831.2); c.2289C>T, p.Gly763= (NM_001318832.2).
Identifiers: ClinVar variation 467932 (VCV000467932.25), dbSNP rs778981034, ClinGen allele CA276740001.
Genomic context (GRCh38, chr16:2,072,884, plus strand): 5'-TTTCATGCCTGGATTTGGTCATCAGCTTTCAGGCCCAAAGACACTGGAGCGGCTCCGAGG[C>T]GCCCCAGAAGGCTTCTCCAGAACTGACTTGCACCTGGCCGTGGTTCCAGTGCTGACAGCA-3'
Protein context (NP_000539.2, residues 742-762): SGPKTLERLR[Gly752=]APEGFSRTDL